The following is an entry in ClinVar:

NM_001374828.1(ARID1B):c.6745G>A (p.Val2249Ile)

Gene: ARID1B (AT-rich interaction domain 1B; plus strand). Cytogenetic location: 6q25.3.
Variant type: single nucleotide variant.
Coding change: c.6745G>A on transcript NM_001374828.1 (MANE Select); coding-DNA position 6745, G replaced by A.
Protein change: p.Val2249Ile; replaces valine 2249 with isoleucine.
Molecular consequence: missense variant.
Genome position (GRCh38, 1-based): chr6:157,207,517, G>A. VCF-style: chr6-157207517-G-A. GRCh37 (hg19) VCF-style: chr6-157528651-G-A.
Other names: c.4246G>A, p.Val1416Ile (NM_001363725.2); c.6625G>A, p.Val2209Ile (NM_001371656.1, NM_001374820.1); c.6874G>A, p.Val2292Ile (NM_001438482.1); c.6787G>A, p.Val2263Ile (NM_001438483.1); c.6655G>A, p.Val2219Ile (NM_001438485.1); c.6628G>A, p.Val2210Ile (NM_001438486.1); c.6565G>A, p.Val2189Ile (NM_001438487.1); c.4087G>A, p.Val1363Ile (NM_001438488.1); and 1 more; short protein forms V1363I, V1416I, V2189I, V2196I, V2209I, V2210I, V2219I, V2249I.
Identifiers: ClinVar variation 5018059 (VCV005018059.1).

ClinVar aggregate classification (germline): Uncertain significance (1 of 4 stars; one submission).

gnomAD v4.1: 1 of 1,614,178 alleles (0.000062%); highest among the groups gnomAD compares: Middle Eastern, 0.016%; no homozygotes.

Submission:

GeneDx
Classification: Uncertain significance. Last evaluated: 2026-03-31. Review status: criteria provided, single submitter. Criteria: GeneDx Variant Classification Process June 2021. Collection method: clinical testing. Allele origin: germline.
Comment: Not observed at significant frequency in large population cohorts (gnomAD); In silico analysis suggests that this missense variant does not alter protein structure/function; Has not been previously published as pathogenic or benign to our knowledge